The following is an entry in ClinVar:

ClinVar aggregate classification (germline): Uncertain significance (1 of 4 stars; one submission).

gnomAD v4.1: 3 of 1,613,782 alleles (0.00019%); highest among the groups gnomAD compares: Non-Finnish European, 0.00025%; no homozygotes.

Submission:

Labcorp Genetics (formerly Invitae), Labcorp
Classification: Uncertain significance. Last evaluated: 2024-09-27. Review status: criteria provided, single submitter. Criteria: Invitae Variant Classification Sherloc (09022015). Collection method: clinical testing. Allele origin: germline.
Comment: This sequence change replaces arginine, which is basic and polar, with tryptophan, which is neutral and slightly polar, at codon 1982 of the CACNA1E protein (p.Arg1982Trp). This variant is present in population databases (rs541743081, gnomAD 0.0009%). This variant has not been reported in the literature in individuals affected with CACNA1E-related conditions. Invitae Evidence Modeling of protein sequence and biophysical properties (such as structural, functional, and spatial information, amino acid conservation, physicochemical variation, residue mobility, and thermodynamic stability) has been performed for this missense variant. However, the output from this modeling did not meet the statistical confidence thresholds required to predict the impact of this variant on CACNA1E protein function. In summary, the available evidence is currently insufficient to determine the role of this variant in disease. Therefore, it has been classified as a Variant of Uncertain Significance.

NM_001205293.3(CACNA1E):c.6073C>T (p.Arg2025Trp)

Gene: CACNA1E (calcium voltage-gated channel subunit alpha1 E; plus strand). Cytogenetic location: 1q25.3.
Variant type: single nucleotide variant.
Coding change: c.6073C>T on transcript NM_001205293.3 (MANE Select); coding-DNA position 6073, C replaced by T.
Protein change: p.Arg2025Trp; replaces arginine 2025 with tryptophan.
Molecular consequence: missense variant.
Genome position (GRCh38, 1-based): chr1:181,794,909, C>T. VCF-style: chr1-181794909-C-T. GRCh37 (hg19) VCF-style: chr1-181764045-C-T.
Other names: c.5944C>T, p.Arg1982Trp (NM_000721.4); c.5887C>T, p.Arg1963Trp (NM_001205294.2); short protein forms R1963W, R1982W, R2025W.
Identifiers: ClinVar variation 3684054 (VCV003684054.2).
Genomic context (GRCh38, chr1:181,794,909, plus strand): 5'-GGCTTGTATTTCCAGGTGGTGACAGACCCTAGCTCCATGAGACGTTCATTTTCCACTATT[C>T]GGGATAAGCGTTCAAATTCCTCGTGGTTGGAGGAATTCTCCATGGAGCGAAGCAGTGAAA-3'
Protein context (NP_001192222.1, residues 2015-2035): SSMRRSFSTI[Arg2025Trp]DKRSNSSWLE